The following is an entry in ClinVar:

NM_001172509.2(SATB2):c.1311_1314dup (p.Arg439fs)

Gene: SATB2 (SATB homeobox 2; minus strand). Cytogenetic location: 2q33.1.
Variant type: Duplication.
Coding change: c.1311_1314dup on transcript NM_001172509.2 (MANE Select); coding-DNA positions 1311 to 1314, 4 bases duplicated (GGAG; older notation c.1311_1314dupGGAG).
Protein change: p.Arg439fs; shifts the reading frame from arginine 439.
Molecular consequence: frameshift variant.
Genome position (GRCh38, 1-based): chr2:199,328,770-199,328,773, CTCC duplicated on the plus strand (GGAG on the coding strand, the reverse complement: SATB2 is on the minus strand); duplicating any 4 consecutive bases within chr2:199,328,770-199,328,776 gives the same sequence; the c. name uses the placement nearest the transcript's 3' end. VCF-style (leftmost placement, unchanged base first): chr2-199328769-G-GCTCC. GRCh37 (hg19) VCF-style: chr2-200193492-G-GCTCC.
Other names: c.1311_1314dup, p.Arg439fs (NM_001172517.1, NM_015265.4); c.1311_1314dupGGAG (NM_015265.3); short protein forms R439fs.
Identifiers: ClinVar variation 587771 (VCV000587771.5), dbSNP rs1559164234, ClinGen allele CA891843237.

ClinVar aggregate classification (germline): Pathogenic (1 of 4 stars; one submission).

Conditions:
Inborn genetic diseases. Identifiers: MedGen C0950123, MeSH D030342.

Submission:

Ambry Genetics
Classification: Pathogenic for Inborn genetic diseases. Last evaluated: 2021-12-08. Review status: criteria provided, single submitter. Criteria: Ambry Variant Classification Scheme 2023. Collection method: clinical testing. Allele origin: germline.
Comment: The c.1311_1314dupGGAG (p.R439Gfs*38) alteration, located in exon 9 (coding exon 7) of the SATB2 gene, consists of a duplication of GGAG at position 1311, causing a translational frameshift with a predicted alternate stop codon after 38 amino acids. This alteration is expected to result in loss of function by premature protein truncation or nonsense-mediated mRNA decay. Based on the available evidence, this alteration is classified as pathogenic.